The following is an entry in ClinVar:

NM_000138.5(FBN1):c.7466G>A (p.Cys2489Tyr)

Gene: FBN1 (fibrillin 1; minus strand). Cytogenetic location: 15q21.1.
Variant type: single nucleotide variant.
Coding change: c.7466G>A on transcript NM_000138.5 (MANE Select); coding-DNA position 7466, G replaced by A.
Protein change: p.Cys2489Tyr; replaces cysteine 2489 with tyrosine.
Molecular consequence: missense variant.
Genome position (GRCh38, 1-based): chr15:48,422,056, C>T on the plus strand (G>A on the coding strand, the complement: FBN1 is on the minus strand). VCF-style: chr15-48422056-C-T. GRCh37 (hg19) VCF-style: chr15-48714253-C-T.
Other names: short protein forms C2489Y.
Identifiers: ClinVar variation 406349 (VCV000406349.9), dbSNP rs1060501077, ClinGen allele CA16614394.

ClinVar aggregate classification (germline): Pathogenic (1 of 4 stars; one submission).

Conditions:
Marfan syndrome (MFS). Also called: Marfan syndrome, classic; Marfan syndrome type 1; Marfan's syndrome; MARFAN SYNDROME, TYPE I; FBN1-Related Marfan Syndrome. Identifiers: Orphanet 284963, Orphanet 558, MedGen C0024796, MONDO:0007947, OMIM 154700.
Familial thoracic aortic aneurysm and aortic dissection (TAAD). Also called: Thoracic aortic aneurysms and dissections. Identifiers: Orphanet 91387, MedGen C4707243, MONDO:0019625.

Submission:

Labcorp Genetics (formerly Invitae), Labcorp
Classification: Pathogenic for Marfan syndrome; Familial thoracic aortic aneurysm and aortic dissection. Last evaluated: 2025-12-09. Review status: criteria provided, single submitter. Criteria: Invitae Variant Classification Sherloc (09022015). Collection method: clinical testing. Allele origin: germline.
Comment: This sequence change replaces cysteine, which is neutral and slightly polar, with tyrosine, which is neutral and polar, at codon 2489 of the FBN1 protein (p.Cys2489Tyr). This variant is not present in population databases (gnomAD no frequency). This missense change has been observed in individuals with clinical features of Marfan syndrome (MFS) (PMID: 17209430, 21907952, 34916231, 38190127; internal data). ClinVar contains an entry for this variant (Variation ID: 406349). Invitae Evidence Modeling of protein sequence and biophysical properties (such as structural, functional, and spatial information, amino acid conservation, physicochemical variation, residue mobility, and thermodynamic stability) indicates that this missense variant is expected to disrupt FBN1 protein function with a positive predictive value of 95%. This variant affects a cysteine residue in the EGF-like, TGFBP or hybrid motif domains of FBN1. Cysteine residues are believed to be involved in intramolecular disulfide bridges and have been shown to be important for FBN1 protein structure (PMID: 16905551, 19349279). In addition, missense substitutions affecting cysteine residues within these domains are significantly overrepresented among patients with Marfan syndrome (PMID: 16571647, 17701892). This variant disrupts the p.Cys2489 amino acid residue in FBN1. Other variant(s) that disrupt this residue have been observed in individuals with FBN1-related conditions (PMID: 9338581, 11810645), which suggests that this may be a clinically significant amino acid residue. For these reasons, this variant has been classified as Pathogenic.

Literature cited by the submitters: PubMed 17209430; PubMed 21907952; PubMed 34916231; PubMed 38190127; PubMed 16905551; PubMed 19349279; PubMed 16571647; PubMed 17701892; PubMed 9338581; PubMed 11810645.